The following is an entry in ClinVar:

NM_004655.4(AXIN2):c.1478C>T (p.Ser493Leu)

Gene: AXIN2 (axin 2; minus strand). Cytogenetic location: 17q24.1.
Variant type: single nucleotide variant.
Coding change: c.1478C>T on transcript NM_004655.4 (MANE Select); coding-DNA position 1478, C replaced by T.
Protein change: p.Ser493Leu; replaces serine 493 with leucine.
Molecular consequence: missense variant.
Genome position (GRCh38, 1-based): chr17:65,537,558, G>A on the plus strand (C>T on the coding strand, the complement: AXIN2 is on the minus strand). VCF-style: chr17-65537558-G-A. GRCh37 (hg19) VCF-style: chr17-63533676-G-A.
Other names: c.1478C>T, p.Ser493Leu (NM_001363813.1); short protein forms S493L.
Identifiers: ClinVar variation 950072 (VCV000950072.13), dbSNP rs367697282, ClinGen allele CA8718639.

ClinVar aggregate classification (germline): Uncertain significance. Review status: criteria provided, multiple submitters, no conflicts (2 of 4 stars). 2 submissions from 2 submitters: Uncertain significance (2). Last evaluated 2025-10-14.

Conditions:
Hereditary cancer-predisposing syndrome. Also called: Tumor predisposition; Hereditary neoplastic syndrome; Neoplastic Syndromes, Hereditary; Hereditary Cancer Syndrome. Identifiers: Orphanet 140162, MedGen C0027672, MeSH D009386, MONDO:0015356.
Oligodontia-cancer predisposition syndrome. Also called: TOOTH AGENESIS-COLORECTAL CANCER SYNDROME. Identifiers: Orphanet 300576, MedGen C1837750, MONDO:0012075, OMIM 608615. Disease mechanism: loss of function.

Allele frequency attached by ClinVar (database versions not stated): TOPMed 0.00002.
gnomAD v4.1: 2 of 1,611,834 alleles (0.00012%); highest among the groups gnomAD compares: Non-Finnish European, 0.00017%; no homozygotes.

Submissions (2):

Labcorp Genetics (formerly Invitae), Labcorp
Classification: Uncertain significance for Oligodontia-cancer predisposition syndrome. Last evaluated: 2025-10-14. Review status: criteria provided, single submitter. Criteria: Invitae Variant Classification Sherloc (09022015). Collection method: clinical testing. Allele origin: germline.
Comment: This sequence change replaces serine, which is neutral and polar, with leucine, which is neutral and non-polar, at codon 493 of the AXIN2 protein (p.Ser493Leu). The frequency data for this variant in the population databases is considered unreliable, as metrics indicate poor data quality at this position in the gnomAD database. This variant has not been reported in the literature in individuals affected with AXIN2-related conditions. ClinVar contains an entry for this variant (Variation ID: 950072). An algorithm developed to predict the effect of missense changes on protein structure and function outputs the following: PolyPhen-2: "Benign". The leucine amino acid residue is found in multiple mammalian species, which suggests that this missense change does not adversely affect protein function. In summary, the available evidence is currently insufficient to determine the role of this variant in disease. Therefore, it has been classified as a Variant of Uncertain Significance.

Ambry Genetics
Classification: Uncertain significance for Hereditary cancer-predisposing syndrome. Last evaluated: 2025-04-18. Review status: criteria provided, single submitter. Criteria: Ambry Variant Classification Scheme 2023. Collection method: clinical testing. Allele origin: germline.
Comment: The p.S493L variant (also known as c.1478C>T), located in coding exon 5 of the AXIN2 gene, results from a C to T substitution at nucleotide position 1478. The serine at codon 493 is replaced by leucine, an amino acid with dissimilar properties. This amino acid position is not well conserved in available vertebrate species. In addition, this alteration is predicted to be tolerated by in silico analysis. Since supporting evidence is limited at this time, the clinical significance of this alteration remains unclear.